The following is an entry in ClinVar:

ClinVar aggregate classification (germline): Pathogenic/Likely pathogenic. Review status: criteria provided, multiple submitters, no conflicts (2 of 4 stars). 25 submissions from 25 submitters: Pathogenic (20); Likely pathogenic (1). 4 of the submissions do not count toward it. Last evaluated 2026-08-01.

Conditions:
ATP7B-related disorder. Also called: ATP7B-related condition.
Inborn genetic diseases. Identifiers: MedGen C0950123, MeSH D030342.
Wilson disease (WND). Also called: Wilson's disease. Identifiers: Orphanet 905, MedGen C0019202, MONDO:0010200, OMIM 277900. Disease mechanism: loss of function.

Allele frequency attached by ClinVar (database versions not stated): TOPMed 0.00002; gnomAD exomes 0.00004 and 0.00002; gnomAD 0.00004; ExAC 0.00004.
gnomAD v4.1: 31 of 1,614,066 alleles (0.0019%); highest among the groups gnomAD compares: East Asian, 0.025%; no homozygotes.

Submissions 1 to 9 of 25:

CeGaT Center for Human Genetics Tuebingen
Classification: Pathogenic. Last evaluated: 2026-08-01. Review status: criteria provided, single submitter. Criteria: CeGaT Center For Human Genetics Tuebingen Variant Classification Criteria Version 2. Collection method: clinical testing. Allele origin: germline. Affected: yes. Observed: 5 variant alleles.
Comment: ATP7B: PM3:Very Strong, PM1, PM2, PP4, PS3:Supporting

PreventionGenetics, part of Exact Sciences
Classification: Pathogenic for ATP7B-related condition. Last evaluated: 2026-06-08. Review status: criteria provided, single submitter. Criteria: ACMG Guidelines, 2015. Collection method: clinical testing. Allele origin: germline.
Comment: The ATP7B c.3443T>C variant is predicted to result in the amino acid substitution p.Ile1148Thr. This variant was reported in the homozygous or compound heterozygous state in many unrelated and related individuals with Wilson disease (see, for example, Wang et al. 2011. PubMed ID: 21796144; Gu et al. 2013. PubMed ID: 23843956; Hua et al. 2016. PubMed ID: 27398169; Li et al. 2019. PubMed ID: 30702195). Experimental studies in yeast suggest that this variant causes a mild to intermediate defect in transporter function (Luoma et al. 2010. PubMed ID: 20333758). This variant is reported in 0.041% of alleles in individuals of East Asian descent in gnomAD. This variant is interpreted as pathogenic.

Labcorp Genetics (formerly Invitae), Labcorp
Classification: Pathogenic for Wilson disease. Last evaluated: 2026-02-02. Review status: criteria provided, single submitter. Criteria: Invitae Variant Classification Sherloc (09022015). Collection method: clinical testing. Allele origin: germline.
Comment: This sequence change replaces isoleucine, which is neutral and non-polar, with threonine, which is neutral and polar, at codon 1148 of the ATP7B protein (p.Ile1148Thr). This variant is present in population databases (rs60431989, gnomAD 0.04%). This missense change has been observed in individual(s) with Wilson disease (PMID: 21796144, 23843956, 28212618). In at least one individual the data is consistent with being in trans (on the opposite chromosome) from a pathogenic variant. It has also been observed to segregate with disease in related individuals. ClinVar contains an entry for this variant (Variation ID: 37122). Invitae Evidence Modeling of protein sequence and biophysical properties (such as structural, functional, and spatial information, amino acid conservation, physicochemical variation, residue mobility, and thermodynamic stability) indicates that this missense variant is expected to disrupt ATP7B protein function with a positive predictive value of 80%. Experimental studies have shown that this missense change affects ATP7B function (PMID: 20333758). For these reasons, this variant has been classified as Pathogenic.

Natera, Inc.
Classification: Pathogenic for Wilson disease. Last evaluated: 2026-01-13. Review status: criteria provided, single submitter. Criteria: Natera Variant Classification Schema (03/2026). Collection method: clinical testing. Allele origin: germline.
Comment: The c.3443T>C variant in ATP7B is a missense variant predicted to cause substitution of isoleucine to threonine at amino acid 1148. This variant is rare in the general population with a frequency below the threshold expected for the associated phenotype(s). This variant has been observed in one or more individuals affected with the associated recessive disease, as either homozygous or compound heterozygous with a second variant (PMID: 24146181, 33763395, 21796144). Additionally, this variant has been observed to segregate in affected family members (PMID: 21796144). This variant has been found together with another disease-causing variant in the same copy of the gene (PMID: 15845031, 21796144). Computational prediction algorithms indicate this variant is likely to affect gene or protein function. Given the available evidence, this variant is classified as Pathogenic.

3billion
Classification: Pathogenic for Wilson disease. Last evaluated: 2025-06-02. Review status: criteria provided, single submitter. Criteria: ACMG Guidelines, 2015. Collection method: clinical testing. Allele origin: germline. Affected: yes.
Comment: The variant is observed at an extremely low frequency in the gnomAD v4.1.0 dataset (total allele frequency: 0.002%). Predicted Consequence/Location: Missense variant. The majority of the known disease-causing variants of this gene are variants expected to result in premature termination of the protein. Functional studies provide supporting evidence of the variant having a damaging effect on the gene or gene product (PMID: 20333758). In silico tool predictions suggest damaging effect of the variant on gene or gene product [REVEL: 0.98 (>=0.6, sensitivity 0.68 and specificity 0.92); 3Cnet: 0.96 (> 0.75, sensitivity 0.96 and precision 0.92)]. The same nucleotide change resulting in the same amino acid change has been previously reported as pathogenic/likely pathogenic with strong evidence (ClinVar ID: VCV000037122 /PMID: 9801873 /3billion dataset). The variant has been reported to be in trans with a pathogenic variant as either compound heterozygous or homozygous in at least 4 similarly affected unrelated individuals (PMID: 21796144, 23843956, 28212618). A different missense change at the same codon (p.Ile1148Asn) has been reported to be associated with ATP7B-related disorder (PMID: 35220961). Therefore, this variant is classified as Pathogenic according to the recommendation of ACMG/AMP guideline.

Dasa
Classification: Pathogenic. Last evaluated: 2025-02-28. Review status: criteria provided, single submitter. Criteria: DASA Assertion Criteria. Collection method: clinical testing. Allele origin: germline.
Comment: NM_000053.4(ATP7B):c.3443T>C (p.Ile1148Thr) is a missense variant that results in the substitution of isoleucine with threonine. This variant has been observed in affected individuals with related phenotype in a genotype context consistent with recessive disease (PMID: 20333758; PMID: 21796144; PMID: 23843956; PMID: 27398169; PMID: 19172127). Functional evidence supports a deleterious effect on the gene or gene product (PMID: 20333758; PMID: 21796144; PMID: 23843956; PMID: 27398169; PMID: 19172127). This variant has been recurrently observed in individuals with related phenotype (PMID: 20333758; PMID: 21796144; PMID: 23843956; PMID: 27398169; PMID: 19172127). Multiple computational predictions support a deleterious effect on the gene or gene product. The variant is present at low frequency in population datasets. Based on the available data, this variant is classified as pathogenic.

Mayo Clinic Laboratories, Mayo Clinic
Classification: Pathogenic. Last evaluated: 2024-12-05. Review status: criteria provided, single submitter. Criteria: ACMG Guidelines, 2015. Collection method: clinical testing. Allele origin: germline. Observed: 2 variant alleles.
Comment: PP3_strong, PP4, PM2_supporting, PM3_very_strong, PS3, PS4

All of Us Research Program, National Institutes of Health
Classification: Pathogenic for Wilson disease. Last evaluated: 2024-08-06. Review status: criteria provided, single submitter. Criteria: ACMG Guidelines, 2015. Collection method: clinical testing. Allele origin: germline. Inheritance: Autosomal recessive inheritance. Observed: 6 variant alleles, 6 heterozygotes.
Comment: This missense variant replaces isoleucine with threonine at codon 1148 of the ATP7B protein. Computational prediction suggests that this variant may have deleterious impact on protein structure and function. This variant alters a conserved isoleucine residue in the N domain of the ATP7B protein (a.a. 1032 - 1196), a highly conserved region that is considered to be important for ATP7B protein function (PMID: 35245129; ClinVar). Functional studies in yeast have shown that this variant results in normal protein expression and mild to intermediate deficits in a complementation assay (PMID: 20333758). This variant has been reported in individuals affected with Wilson disease (PMID: 9801873, 10447265, 14986826, 15523622, 15845031, 17587212, 18034201, 18483695, 21796144, 21034864, 22677543, 24146181, 23843956, 23275100, 25089800, 24726229, 26580967, 27022412, 27982432, 28212618, 29930488, 30384382, 30884209, 30702195, 34470610, 34400371, 35782615) and is consider a founder variant in several Chinese populations (PMID: 23843956, 30384382). In a number of these individuals, this variant was confirmed to be in the homozygous state or compound heterozygous state (PMID: 15523622, 20465995, 24146181, 23843956, 23275100, 27982432, 28212618, 30702195). One individual carried this variant along with a variant of uncertain significance in cis and third variant known to be pathogenic in trans (PMID: 15845031). In a separate study, this variant was identified in four individuals affected with Wilson disease, all carrying the same variant of uncertain significance in cis and different known pathogenic variants in trans (PMID: 18034201). This variant has been identified in 11/280974 chromosomes in the general population by the Genome Aggregation Database (gnomAD). Based on the available evidence, this variant is classified as Pathogenic.

This study involves interpretation of variants in research participants for the purpose of population health screening. Participant phenotype was not available at the time of variant classification. Additional details can be found in publication PMID: 35346344, PMCID: PMC8962531

Blueprint Genetics
Classification: Pathogenic for ATP7B-related disorders. Last evaluated: 2024-05-29. Review status: criteria provided, single submitter. Criteria: ACMG Guidelines, 2015. Collection method: clinical testing. Allele origin: germline. Affected: yes. Observed: 3 variant alleles.

NM_000053.4(ATP7B):c.3443T>C (p.Ile1148Thr)

Gene: ATP7B (ATPase copper transporting beta; minus strand). Cytogenetic location: 13q14.3.
Variant type: single nucleotide variant.
Coding change: c.3443T>C on transcript NM_000053.4 (MANE Select); coding-DNA position 3443, T replaced by C.
Protein change: p.Ile1148Thr; replaces isoleucine 1148 with threonine.
Molecular consequence: missense variant.
Genome position (GRCh38, 1-based): chr13:51,941,194, A>G on the plus strand (T>C on the coding strand, the complement: ATP7B is on the minus strand). VCF-style: chr13-51941194-A-G. GRCh37 (hg19) VCF-style: chr13-52515330-A-G.
Other names: c.2822T>C, p.Ile941Thr (NM_001005918.3); c.3110T>C, p.Ile1037Thr (NM_001243182.2); c.3209T>C, p.Ile1070Thr (NM_001330578.2); c.3191T>C, p.Ile1064Thr (NM_001330579.2); short protein forms I1148T, I1037T, I1070T, I1064T, I941T.
Identifiers: ClinVar variation 37122 (VCV000037122.64), dbSNP rs60431989, ClinGen allele CA259856.